The following is an entry in ClinVar:

ClinVar aggregate classification (germline): Uncertain significance. Review status: criteria provided, multiple submitters, no conflicts (2 of 4 stars). 3 submissions from 3 submitters: Uncertain significance (3). Last evaluated 2026-03-25.

Conditions:
Cardiovascular phenotype. Identifiers: MedGen CN230736.

Allele frequency attached by ClinVar (database versions not stated): gnomAD exomes below 0.00001; TOPMed below 0.00001; ExAC 0.00001.
gnomAD v4.1: 2 of 1,613,840 alleles (0.00012%); highest among the groups gnomAD compares: Non-Finnish European, 0.000085%; no homozygotes.

Submissions (3):

Ambry Genetics
Classification: Uncertain significance for Cardiovascular phenotype. Last evaluated: 2026-03-25. Review status: criteria provided, single submitter. Criteria: Ambry Variant Classification Scheme 2023. Collection method: clinical testing. Allele origin: germline.
Comment: The p.D164V variant (also known as c.491A>T), located in coding exon 1 of the LOX gene, results from an A to T substitution at nucleotide position 491. The aspartic acid at codon 164 is replaced by valine, an amino acid with highly dissimilar properties. This amino acid position is well conserved in available vertebrate species. In addition, this alteration is predicted to be tolerated by in silico analysis. Based on the available evidence, the clinical significance of this variant remains unclear.

Women's Health and Genetics/Laboratory Corporation of America, LabCorp
Classification: Uncertain significance. Last evaluated: 2026-03-13. Review status: criteria provided, single submitter. Criteria: LabCorp Variant Classification Summary - May 2015. Collection method: clinical testing. Allele origin: germline.

GeneDx
Classification: Uncertain significance. Last evaluated: 2023-09-05. Review status: criteria provided, single submitter. Criteria: GeneDx Variant Classification Process June 2021. Collection method: clinical testing. Allele origin: germline. Affected: yes.
Comment: Has not been previously published as pathogenic or benign to our knowledge; Not observed at significant frequency in large population cohorts (gnomAD); In silico analysis supports that this missense variant has a deleterious effect on protein structure/function

NM_002317.7(LOX):c.491A>T (p.Asp164Val)

Genes: LOX (lysyl oxidase; minus strand), SRFBP1 (serum response factor binding protein 1; plus strand). Cytogenetic location: 5q23.1.
Variant type: single nucleotide variant.
Coding change: c.491A>T on transcript NM_002317.7 (MANE Select); coding-DNA position 491, A replaced by T.
Protein change: p.Asp164Val; replaces aspartic acid 164 with valine.
Molecular consequence: missense variant.
Genome position (GRCh38, 1-based): chr5:122,077,495, T>A on the plus strand (A>T on the coding strand, the complement: LOX is on the minus strand). VCF-style: chr5-122077495-T-A. GRCh37 (hg19) VCF-style: chr5-121413190-T-A.
Other names: c.491A>T (NM_002317.5); short protein forms D164V.
Identifiers: ClinVar variation 2579634 (VCV002579634.3), dbSNP rs755159541, ClinGen allele CA3384021.
Genomic context (GRCh38, chr5:122,077,495, plus strand): 5'-TAATAAGGGTTGTCGTCAGAGTACTTGTAGGGGTTGTAAGGGTCGTCGCCCACCATGCCG[T>A]CCACGCGGCTGGGCGGCCGCAGGTTACTGAGCGCAGGAACTTCTCCCGGCGCTGTCTGGT-3'
Protein context (NP_002308.2, residues 154-174): LSNLRPPSRV[Asp164Val]GMVGDDPYNP